The following is an entry in ClinVar:

NM_001903.5(CTNNA1):c.1054A>C (p.Met352Leu)

Gene: CTNNA1 (catenin alpha 1; plus strand). Cytogenetic location: 5q31.2.
Variant type: single nucleotide variant.
Coding change: c.1054A>C on transcript NM_001903.5 (MANE Select); coding-DNA position 1054, A replaced by C.
Protein change: p.Met352Leu; replaces methionine 352 with leucine.
Molecular consequence: missense variant.
Genome position (GRCh38, 1-based): chr5:138,827,710, A>C. VCF-style: chr5-138827710-A-C. GRCh37 (hg19) VCF-style: chr5-138163399-A-C.
Other names: c.745A>C, p.Met249Leu (NM_001290309.3); c.1054A>C, p.Met352Leu (NM_001290307.3, NM_001323982.2, NM_001323983.1 and 3 more transcripts); c.685A>C, p.Met229Leu (NM_001290310.3); short protein forms M249L, M229L, M352L.
Identifiers: ClinVar variation 2563277 (VCV002563277.6), dbSNP rs1581178714, ClinGen allele CA361131318.
Genomic context (GRCh38, chr5:138,827,710, plus strand): 5'-CGAATTGTGGCAGAGTGTAATGCTGTCCGCCAGGCCCTGCAGGACCTGCTTTCGGAGTAC[A>C]TGGGCAATGTGAGTTTGACAGCTTTTCTTTGAAGTAAGATATTTATGGATGAGGAGTTTT-3'
Protein context (NP_001894.2, residues 342-362): QALQDLLSEY[Met352Leu]GNAGRKERSD

ClinVar aggregate classification (germline): Uncertain significance. Review status: criteria provided, multiple submitters, no conflicts (2 of 4 stars). 2 submissions from 2 submitters: Uncertain significance (2). Last evaluated 2025-09-26.

Conditions:
Hereditary cancer-predisposing syndrome. Also called: Neoplastic Syndromes, Hereditary; Hereditary Cancer Syndrome; Hereditary neoplastic syndrome; Tumor predisposition. Identifiers: Orphanet 140162, MedGen C0027672, MeSH D009386, MONDO:0015356.

Allele frequency attached by ClinVar (database versions not stated): gnomAD exomes below 0.00001.
gnomAD v4.1: 1 of 1,614,204 alleles (0.000062%); highest among the groups gnomAD compares: East Asian, 0.0022%; no homozygotes.

Submissions (2):

Ambry Genetics
Classification: Uncertain significance for Hereditary cancer-predisposing syndrome. Last evaluated: 2025-09-26. Review status: criteria provided, single submitter. Criteria: Ambry Variant Classification Scheme 2023. Collection method: clinical testing. Allele origin: germline.

Labcorp Genetics (formerly Invitae), Labcorp
Classification: Uncertain significance. Last evaluated: 2025-08-04. Review status: criteria provided, single submitter. Criteria: Invitae Variant Classification Sherloc (09022015). Collection method: clinical testing. Allele origin: germline.
Comment: This sequence change replaces methionine, which is neutral and non-polar, with leucine, which is neutral and non-polar, at codon 352 of the CTNNA1 protein (p.Met352Leu). This variant is not present in population databases (gnomAD no frequency). This variant has not been reported in the literature in individuals affected with CTNNA1-related conditions. ClinVar contains an entry for this variant (Variation ID: 2563277). Invitae Evidence Modeling of protein sequence and biophysical properties (such as structural, functional, and spatial information, amino acid conservation, physicochemical variation, residue mobility, and thermodynamic stability) indicates that this missense variant is not expected to disrupt CTNNA1 protein function with a negative predictive value of 80%. In summary, the available evidence is currently insufficient to determine the role of this variant in disease. Therefore, it has been classified as a Variant of Uncertain Significance.